The following is an entry in ClinVar:

ClinVar aggregate classification (germline): Conflicting classifications of pathogenicity. Review status: criteria provided, conflicting classifications (1 of 4 stars). 8 submissions from 8 submitters: Pathogenic (1); Likely pathogenic (2); Uncertain significance (5). Last evaluated 2025-12-14.

Conditions:
MYBPC3-related disorder. Also called: MYBPC3-related disorders; MYBPC3-related condition; MYBPC3-related disease.
Cardiovascular phenotype. Identifiers: MedGen CN230736.
Cardiomyopathy (CMYO). Also called: Cardiomyopathies. Identifiers: Orphanet 167848, MedGen C0878544, MONDO:0004994, HP:0001638. Inheritance: Various modes of inheritance.
Hypertrophic cardiomyopathy. Also called: HYPERTROPHIC MYOCARDIOPATHY. Identifiers: Orphanet 217569, MedGen C0007194, MeSH D002312, MONDO:0005045, HP:0001639.

Allele frequency attached by ClinVar (database versions not stated): TOPMed below 0.00001; gnomAD 0.00001; ExAC 0.00004.
gnomAD v4.1: 2 of 1,562,680 alleles (0.00013%); highest among the groups gnomAD compares: Non-Finnish European, 0.00017%; no homozygotes.

Submissions (8):

Labcorp Genetics (formerly Invitae), Labcorp
Classification: Uncertain significance for Hypertrophic cardiomyopathy. Last evaluated: 2025-12-14. Review status: criteria provided, single submitter. Criteria: Invitae Variant Classification Sherloc (09022015). Collection method: clinical testing. Allele origin: germline.
Comment: This sequence change replaces proline, which is neutral and non-polar, with threonine, which is neutral and polar, at codon 161 of the MYBPC3 protein (p.Pro161Thr). The frequency data for this variant in the population databases is considered unreliable, as metrics indicate poor data quality at this position in the gnomAD database. This missense change has been observed in individuals with hypertrophic cardiomyopathy (PMID: 24510615, 24793961, 27532257, 37652022; internal data). ClinVar contains an entry for this variant (Variation ID: 42759). An algorithm developed to predict the effect of missense changes on protein structure and function (PolyPhen-2) suggests that this variant is likely to be disruptive. This variant disrupts the p.Pro161 amino acid residue in MYBPC3. Other variant(s) that disrupt this residue have been observed in individuals with MYBPC3-related conditions (PMID: 14563344), which suggests that this may be a clinically significant amino acid residue. In summary, the available evidence is currently insufficient to determine the role of this variant in disease. Therefore, it has been classified as a Variant of Uncertain Significance.

Color Diagnostics, LLC DBA Color Health
Classification: Uncertain significance for Cardiomyopathy. Last evaluated: 2025-10-07. Review status: criteria provided, single submitter. Criteria: ACMG Guidelines, 2015. Collection method: clinical testing. Allele origin: germline.
Comment: This missense variant replaces proline with threonine at codon 161 of the MYBPC3 protein. Computational prediction suggests that this variant may have deleterious impact on protein structure and function. To our knowledge, functional studies have not been reported for this variant. This variant has been reported in at least 2 individuals affected with hypertrophic cardiomyopathy (PMID: 26914223, 27532257). This variant has been identified in 2/1562680 chromosomes in the general population by the Genome Aggregation Database (gnomAD). The available evidence is insufficient to determine the role of this variant in disease conclusively. Therefore, this variant is classified as a Variant of Uncertain Significance.

Ambry Genetics
Classification: Likely pathogenic for Cardiovascular phenotype. Last evaluated: 2025-02-10. Review status: criteria provided, single submitter. Criteria: Ambry Variant Classification Scheme 2023. Collection method: clinical testing. Allele origin: germline.
Comment: The p.P161T variant (also known as c.481C>A), located in coding exon 4 of the MYBPC3 gene, results from a C to A substitution at nucleotide position 481. The proline at codon 161 is replaced by threonine, an amino acid with highly similar properties. This variant was reported in individual(s) with features consistent with hypertrophic cardiomyopathy (HCM) (Kapplinger JD et al. J Cardiovasc Transl Res, 2014 Apr;7:347-61; Bos JM et al. Mayo Clin Proc, 2014 Jun;89:727-37; Walsh R et al. Genet Med, 2017 02;19:192-203; Tadros R et al. Nat Genet, 2021 02;53:128-134; Harper AR et al. Nat Genet, 2021 02;53:135-142). This amino acid position is highly conserved in available vertebrate species. In addition, the in silico prediction for this alteration is inconclusive. This variant is considered to be rare based on population cohorts in the Genome Aggregation Database (gnomAD). Based on the majority of available evidence to date, this variant is likely to be pathogenic.

Molecular Diagnostic Laboratory for Inherited Cardiovascular Disease, Montreal Heart Institute
Classification: Pathogenic for Cardiovascular phenotype. Last evaluated: 2025-01-28. Review status: criteria provided, single submitter. Criteria: ACMG Guidelines, 2015. Collection method: clinical testing. Allele origin: germline. Affected: yes.
Comment: PS4, PP1_strong, PM2, PM5, PP3

All of Us Research Program, National Institutes of Health
Classification: Uncertain significance for Hypertrophic cardiomyopathy. Last evaluated: 2023-10-02. Review status: criteria provided, single submitter. Criteria: ACMG Guidelines, 2015. Collection method: clinical testing. Allele origin: germline. Inheritance: Autosomal dominant inheritance. Observed: 1 variant allele, 1 heterozygote.
Comment: This missense variant replaces proline with threonine at codon 161 of the MYBPC3 protein. Computational prediction suggests that this variant may have deleterious impact on protein structure and function (internally defined REVEL score threshold >= 0.7, PMID: 27666373). To our knowledge, functional studies have not been reported for this variant. This variant has been reported in at least 2 individuals affected with hypertrophic cardiomyopathy (PMID: 26914223, 27532257). This variant has been identified in 1/172084 chromosomes in the general population by the Genome Aggregation Database (gnomAD). The available evidence is insufficient to determine the role of this variant in disease conclusively. Therefore, this variant is classified as a Variant of Uncertain Significance.

This study involves interpretation of variants in research participants for the purpose of population health screening. Participant phenotype was not available at the time of variant classification. Additional details can be found in publication PMID: 35346344, PMCID: PMC8962531

Blueprint Genetics
Classification: Likely pathogenic for MYBPC3-related disorders. Last evaluated: 2023-06-25. Review status: criteria provided, single submitter. Criteria: ACMG Guidelines, 2015. Collection method: clinical testing. Allele origin: germline. Affected: yes. Observed: 2 variant alleles.

GeneDx
Classification: Uncertain significance. Last evaluated: 2022-03-14. Review status: criteria provided, single submitter. Criteria: GeneDx Variant Classification Process June 2021. Collection method: clinical testing. Allele origin: germline. Affected: yes.
Comment: Reported in individuals diagnosed with HCM or referred for HCM genetic testing, although patient-specific details were not provided (Bos et al., 2014; Kapplinger et al., 2014; Murphy et al., 2016; Walsh et al., 2017); Not observed at significant frequency in large population cohorts (gnomAD); In silico analysis supports that this missense variant has a deleterious effect on protein structure/function; This variant is associated with the following publications: (PMID: 26914223, 24510615, 24793961, 27532257)

Laboratory for Molecular Medicine, Mass General Brigham Personalized Medicine
Classification: Uncertain significance. Last evaluated: 2017-08-30. Review status: criteria provided, single submitter. Criteria: LMM Criteria. Collection method: clinical testing. Allele origin: germline. Inheritance: Autosomal dominant inheritance. Observed: 1 variant allele.
Comment: Variant classified as Uncertain Significance - Favor Pathogenic. The p.Pro161Thr variant in MYBPC3 has been reported in 4 individuals with HCM (Kapplinger 2014, LMM data). This variant has been reported in ClinVar (Variant ID 42759). This v ariant has been identified in 1/68078 European chromosomes by the Genome Aggrega tion Database (gnomAD). Computational predicti on tools and conservation analysis suggest that the p.Pro161Thr variant may impa ct the protein, though this information is not predictive enough to determine pa thogenicity. In summary, while there is some suspicion for a pathogenic role, th e clinical significance of the p.Pro161Thr variant is uncertain.

Literature cited by the submitters: PubMed 24510615 (cited by 3 submitters); PubMed 24793961 (cited by Labcorp Genetics (formerly Invitae), Labcorp and Ambry Genetics); PubMed 27532257 (cited by 4 submitters); PubMed 37652022 (cited by Labcorp Genetics (formerly Invitae), Labcorp); PubMed 14563344 (cited by Labcorp Genetics (formerly Invitae), Labcorp); PubMed 26914223 (cited by 3 submitters); PubMed 33495596 (cited by Ambry Genetics); PubMed 33495597 (cited by Ambry Genetics).

NM_000256.3(MYBPC3):c.481C>A (p.Pro161Thr)

Gene: MYBPC3 (myosin binding protein C3; minus strand). Cytogenetic location: 11p11.2.
Variant type: single nucleotide variant.
Coding change: c.481C>A on transcript NM_000256.3 (MANE Select); coding-DNA position 481, C replaced by A.
Protein change: p.Pro161Thr; replaces proline 161 with threonine.
Molecular consequence: missense variant.
Genome position (GRCh38, 1-based): chr11:47,350,038, G>T on the plus strand (C>A on the coding strand, the complement: MYBPC3 is on the minus strand). VCF-style: chr11-47350038-G-T. GRCh37 (hg19) VCF-style: chr11-47371589-G-T.
Other names: p.P161T:CCA>ACA; short protein forms P161T.
Identifiers: ClinVar variation 42759 (VCV000042759.27), dbSNP rs397516053, ClinGen allele CA015227.